The following is an entry in ClinVar:

ClinVar aggregate classification (germline): Uncertain significance (1 of 4 stars; one submission).

Allele frequency attached by ClinVar (database versions not stated): gnomAD 0.00001; 1000 Genomes Project 30x 0.00016; 1000 Genomes Project 0.00020.
gnomAD v4.1: 1 of 1,551,752 alleles (0.000064%); highest among the groups gnomAD compares: East Asian, 0.0024%; no homozygotes.

Submission:

Labcorp Genetics (formerly Invitae), Labcorp
Classification: Uncertain significance. Last evaluated: 2022-08-05. Review status: criteria provided, single submitter. Criteria: Invitae Variant Classification Sherloc (09022015). Collection method: clinical testing. Allele origin: germline.
Comment: This sequence change replaces tyrosine, which is neutral and polar, with cysteine, which is neutral and slightly polar, at codon 2881 of the EYS protein (p.Tyr2881Cys). This variant is not present in population databases (gnomAD no frequency). This variant has not been reported in the literature in individuals affected with EYS-related conditions. Algorithms developed to predict the effect of missense changes on protein structure and function are either unavailable or do not agree on the potential impact of this missense change (SIFT: "Deleterious"; PolyPhen-2: "Probably Damaging"; Align-GVGD: "Class C0"). In summary, the available evidence is currently insufficient to determine the role of this variant in disease. Therefore, it has been classified as a Variant of Uncertain Significance.

NM_001142800.2(EYS):c.8642A>G (p.Tyr2881Cys)

Genes: EYS (eyes shut homolog; minus strand), PHF3 (PHD finger protein 3; plus strand). Cytogenetic location: 6q12.
Variant type: single nucleotide variant.
Coding change: c.8642A>G on transcript NM_001142800.2 (MANE Select); coding-DNA position 8642, A replaced by G.
Protein change: p.Tyr2881Cys; replaces tyrosine 2881 with cysteine.
Molecular consequence: missense variant. On other transcripts: 3 prime UTR variant (5).
Genome position (GRCh38, 1-based): chr6:63,721,389, T>C on the plus strand (A>G on the coding strand, the complement: EYS is on the minus strand). VCF-style: chr6-63721389-T-C. GRCh37 (hg19) VCF-style: chr6-64431285-T-C.
Other names: c.*7681T>C (NM_001290259.2, NM_001370348.2, NM_001370349.2 and 2 more transcripts); c.8705A>G, p.Tyr2902Cys (NM_001292009.2); short protein forms Y2902C, Y2881C.
Identifiers: ClinVar variation 1970556 (VCV001970556.2), dbSNP rs543607208, ClinGen allele CA140236836.